The following is an entry in ClinVar:

ClinVar aggregate classification (germline): Uncertain significance (1 of 4 stars; one submission).

Conditions:
Inborn genetic diseases. Identifiers: MedGen C0950123, MeSH D030342.

Submission:

Ambry Genetics
Classification: Uncertain significance for Inborn genetic diseases. Last evaluated: 2025-09-25. Review status: criteria provided, single submitter. Criteria: Ambry Variant Classification Scheme 2023. Collection method: clinical testing. Allele origin: germline.
Comment: The p.I127T variant (also known as c.380T>C), located in coding exon 3 of the SMAD2 gene, results from a T to C substitution at nucleotide position 380. The isoleucine at codon 127 is replaced by threonine, an amino acid with similar properties. This amino acid position is conserved. In addition, this alteration is predicted to be deleterious by in silico analysis. Based on the available evidence, the clinical significance of this variant remains unclear.

NM_005901.6(SMAD2):c.380T>C (p.Ile127Thr)

Gene: SMAD2 (SMAD family member 2; minus strand). Cytogenetic location: 18q21.1.
Variant type: single nucleotide variant.
Coding change: c.380T>C on transcript NM_005901.6 (MANE Select); coding-DNA position 380, T replaced by C.
Protein change: p.Ile127Thr; replaces isoleucine 127 with threonine.
Molecular consequence: missense variant.
Genome position (GRCh38, 1-based): chr18:47,869,383, A>G on the plus strand (T>C on the coding strand, the complement: SMAD2 is on the minus strand). VCF-style: chr18-47869383-A-G. GRCh37 (hg19) VCF-style: chr18-45395754-A-G.
Other names: c.380T>C, p.Ile127Thr (NM_001003652.4); c.290T>C, p.Ile97Thr (NM_001135937.3); short protein forms I97T, I127T.
Identifiers: ClinVar variation 4631591 (VCV004631591.1).